The following is an entry in ClinVar:

NM_001903.5(CTNNA1):c.1220C>T (p.Ala407Val)

Gene: CTNNA1 (catenin alpha 1; plus strand). Cytogenetic location: 5q31.2.
Variant type: single nucleotide variant.
Coding change: c.1220C>T on transcript NM_001903.5 (MANE Select); coding-DNA position 1220, C replaced by T.
Protein change: p.Ala407Val; replaces alanine 407 with valine.
Molecular consequence: missense variant. On other transcripts: 5 prime UTR variant (5), intron variant (2).
Genome position (GRCh38, 1-based): chr5:138,887,566, C>T. VCF-style: chr5-138887566-C-T. GRCh37 (hg19) VCF-style: chr5-138223255-C-T.
Other names: c.1220C>T, p.Ala407Val (NM_001290307.3, NM_001323982.2, NM_001323983.1 and 3 more transcripts); c.911C>T, p.Ala304Val (NM_001290309.3); c.851C>T, p.Ala284Val (NM_001290310.3); c.110C>T, p.Ala37Val (NM_001290312.1, NM_001323987.1, NM_001323988.1 and 18 more transcripts); c.-288C>T (NM_001324006.1, NM_001324007.1, NM_001324008.1 and 1 more transcripts); c.-163C>T (NM_001324013.1); c.-58+11969C>T (NM_001324012.1); c.-61+11969C>T (NM_001324010.1); short protein forms A284V, A304V, A37V, A407V.
Identifiers: ClinVar variation 866646 (VCV000866646.13), dbSNP rs992713245, ClinGen allele CA128238192.
Genomic context (GRCh38, chr5:138,887,566, plus strand): 5'-TGGACCACGTTTCAGATTCTTTCCTGGAAACCAATGTTCCACTTTTGGTATTGATTGAAG[C>T]TGCAAAGAATGGAAATGAGAAAGAAGTTAAGGAGTATGCCCAAGTTTTCCGTGAACATGC-3'
Protein context (NP_001894.2, residues 397-417): TNVPLLVLIE[Ala407Val]AKNGNEKEVK

ClinVar aggregate classification (germline): Uncertain significance. Review status: criteria provided, multiple submitters, no conflicts (2 of 4 stars). 4 submissions from 4 submitters: Uncertain significance (4). Last evaluated 2025-02-04.

Conditions:
Hereditary cancer-predisposing syndrome. Also called: Neoplastic Syndromes, Hereditary; Hereditary Cancer Syndrome; Hereditary neoplastic syndrome; Tumor predisposition. Identifiers: Orphanet 140162, MedGen C0027672, MeSH D009386, MONDO:0015356.

Allele frequency attached by ClinVar (database versions not stated): gnomAD 0.00001; TOPMed 0.00002.
gnomAD v4.1: 2 of 1,611,958 alleles (0.00012%); highest among the groups gnomAD compares: African/African-American, 0.0027%; no homozygotes.

Submissions (4):

Labcorp Genetics (formerly Invitae), Labcorp
Classification: Uncertain significance. Last evaluated: 2025-02-04. Review status: criteria provided, single submitter. Criteria: Invitae Variant Classification Sherloc (09022015). Collection method: clinical testing. Allele origin: germline.
Comment: This sequence change replaces alanine, which is neutral and non-polar, with valine, which is neutral and non-polar, at codon 407 of the CTNNA1 protein (p.Ala407Val). This variant is not present in population databases (gnomAD no frequency). This variant has not been reported in the literature in individuals affected with CTNNA1-related conditions. ClinVar contains an entry for this variant (Variation ID: 866646). Invitae Evidence Modeling of protein sequence and biophysical properties (such as structural, functional, and spatial information, amino acid conservation, physicochemical variation, residue mobility, and thermodynamic stability) indicates that this missense variant is expected to disrupt CTNNA1 protein function with a positive predictive value of 80%. In summary, the available evidence is currently insufficient to determine the role of this variant in disease. Therefore, it has been classified as a Variant of Uncertain Significance.

Ambry Genetics
Classification: Uncertain significance for Hereditary cancer-predisposing syndrome. Last evaluated: 2024-02-28. Review status: criteria provided, single submitter. Criteria: Ambry Variant Classification Scheme 2023. Collection method: clinical testing. Allele origin: germline.
Comment: The p.A407V variant (also known as c.1220C>T), located in coding exon 8 of the CTNNA1 gene, results from a C to T substitution at nucleotide position 1220. The alanine at codon 407 is replaced by valine, an amino acid with similar properties. This amino acid position is highly conserved in available vertebrate species. In addition, this alteration is predicted to be deleterious by in silico analysis. Since supporting evidence is limited at this time, the clinical significance of this alteration remains unclear.

GeneDx
Classification: Uncertain significance. Last evaluated: 2023-02-23. Review status: criteria provided, single submitter. Criteria: GeneDx Variant Classification Process June 2021. Collection method: clinical testing. Allele origin: germline. Affected: yes.
Comment: Not observed at significant frequency in large population cohorts (gnomAD); In silico analysis supports that this missense variant has a deleterious effect on protein structure/function; Has not been previously published as pathogenic or benign to our knowledge

Blueprint Genetics
Classification: Uncertain significance. Last evaluated: 2020-01-13. Review status: criteria provided, single submitter. Criteria: ACMG Guidelines, 2015. Collection method: clinical testing. Allele origin: germline.